The following is an entry in ClinVar:

NM_001244008.2(KIF1A):c.4775A>G (p.Asp1592Gly)

Gene: KIF1A (kinesin family member 1A; minus strand). Cytogenetic location: 2q37.3.
Variant type: single nucleotide variant.
Coding change: c.4775A>G on transcript NM_001244008.2 (MANE Select); coding-DNA position 4775, A replaced by G.
Protein change: p.Asp1592Gly; replaces aspartic acid 1592 with glycine.
Molecular consequence: missense variant.
Genome position (GRCh38, 1-based): chr2:240,721,007, T>C on the plus strand (A>G on the coding strand, the complement: KIF1A is on the minus strand). VCF-style: chr2-240721007-T-C. GRCh37 (hg19) VCF-style: chr2-241660424-T-C.
Other names: c.4499A>G, p.Asp1500Gly (NM_001320705.2, NM_001379649.1); c.4526A>G, p.Asp1509Gly (NM_001330289.2); c.4574A>G, p.Asp1525Gly (NM_001330290.2, NM_001379648.1); c.4850A>G, p.Asp1617Gly (NM_001379631.1); c.4751A>G, p.Asp1584Gly (NM_001379632.1); c.4748A>G, p.Asp1583Gly (NM_001379633.1, NM_001379645.1); c.4601A>G, p.Asp1534Gly (NM_001379634.1); c.4598A>G, p.Asp1533Gly (NM_001379635.1, NM_001379646.1); and 7 more; short protein forms D1491G, D1592G, D1500G, D1509G, D1525G, D1490G, D1499G, D1508G.
Identifiers: ClinVar variation 589296 (VCV000589296.5), dbSNP rs1461573563, ClinGen allele CA351301918.

ClinVar aggregate classification (germline): Uncertain significance (1 of 4 stars; one submission).

Conditions:
Inborn genetic diseases. Identifiers: MedGen C0950123, MeSH D030342.

Allele frequency attached by ClinVar (database versions not stated): gnomAD exomes below 0.00001.
gnomAD v4.1: 2 of 1,610,904 alleles (0.00012%); highest among the groups gnomAD compares: Admixed American, 0.0017%; no homozygotes.

Submission:

Ambry Genetics
Classification: Uncertain significance for Inborn genetic diseases. Last evaluated: 2016-06-21. Review status: criteria provided, single submitter. Criteria: Ambry Variant Classification Scheme 2023. Collection method: clinical testing. Allele origin: germline.
Comment: The p.D1491G variant (also known as c.4472A>G), located in coding exon 42 of the KIF1A gene, results from an A to G substitution at nucleotide position 4472. The aspartic acid at codon 1491 is replaced by glycine, an amino acid with similar properties. This variant was not reported in population based cohorts in the following databases: Database of Single Nucleotide Polymorphisms (dbSNP), NHLBI Exome Sequencing Project (ESP), and 1000 Genomes Project. In the ESP, this variant was not observed in 6143 samples (12286 alleles) with coverage at this position. This amino acid position is highly conserved in available vertebrate species. In addition, the in silico prediction for this alteration is inconclusive. Since supporting evidence is limited at this time, the clinical significance of this alteration remains unclear.